The following is an entry in ClinVar:

ClinVar aggregate classification (germline): Conflicting classifications of pathogenicity. Review status: criteria provided, conflicting classifications (1 of 4 stars). 5 submissions from 5 submitters: Uncertain significance (1); Likely benign (3). 1 of the submissions does not count toward it. Last evaluated 2026-02-01.

Conditions:
LRBA-related disorder. Also called: LRBA-related condition.
Combined immunodeficiency due to LRBA deficiency. Also called: Common variable immunodeficiency 8, with autoimmunity. Identifiers: Orphanet 445018, MedGen C3553512, MONDO:0013863, OMIM 614700.

Allele frequency attached by ClinVar (database versions not stated): gnomAD exomes 0.00019 and 0.00042; gnomAD 0.00026 and 0.00029; ExAC 0.00040; 1000 Genomes Project 0.00120; 1000 Genomes Project 30x 0.00125.
gnomAD v4.1: 332 of 1,614,056 alleles (0.021%); highest among the groups gnomAD compares: South Asian, 0.24%; 2 homozygotes.

Submissions (5):

CeGaT Center for Human Genetics Tuebingen
Classification: Likely benign. Last evaluated: 2026-02-01. Review status: criteria provided, single submitter. Criteria: CeGaT Center For Human Genetics Tuebingen Variant Classification Criteria Version 2. Collection method: clinical testing. Allele origin: germline. Affected: yes. Observed: 1 variant allele.
Comment: LRBA: BP4, BS2

Labcorp Genetics (formerly Invitae), Labcorp
Classification: Likely benign for Combined immunodeficiency due to LRBA deficiency. Last evaluated: 2026-01-06. Review status: criteria provided, single submitter. Criteria: Invitae Variant Classification Sherloc (09022015). Collection method: clinical testing. Allele origin: germline.

Blueprint Genetics
Classification: Likely benign. Last evaluated: 2024-08-30. Review status: criteria provided, single submitter. Criteria: ACMG Guidelines, 2015. Collection method: clinical testing. Allele origin: germline.

Genetic Services Laboratory, University of Chicago
Classification: Uncertain significance. Last evaluated: 2020-05-26. Review status: criteria provided, single submitter. Criteria: ACMG Guidelines, 2015. Collection method: clinical testing. Allele origin: germline. Affected: no.
Comment: DNA sequence analysis of the LRBA gene demonstrated a sequence change, c.3392A>G, in exon 23 that results in an amino acid change, p.Asp1131Gly. This sequence change does not appear to have been previously described in patients with LRBA-related disorders and has been described in the gnomAD database with a population frequency of 0.26% in South Asian subpopulation (dbSNP rs553138286). The p.Asp1131Gly change affects a poorly conserved amino acid residue located in a domain of the LRBA protein that is not known to be functional. The p.Asp1131Gly substitution appears to be benign using several in-silico pathogenicity prediction tools (SIFT, PolyPhen2, Align GVGD, REVEL). Due to these contrasting evidences and the lack of functional studies, the clinical significance of the p.Asp1131Gly change remains unknown at this time.

PreventionGenetics, part of Exact Sciences
Classification: Likely benign for LRBA-related condition. Last evaluated: 2022-12-20. Review status: no assertion criteria provided. Collection method: clinical testing. Allele origin: germline. Not counted in ClinVar's aggregate classification.
Comment: This variant is classified as likely benign based on ACMG/AMP sequence variant interpretation guidelines (Richards et al. 2015 PMID: 25741868, with internal and published modifications).

NM_001364905.1(LRBA):c.3392A>G (p.Asp1131Gly)

Gene: LRBA (LPS responsive beige-like anchor protein; minus strand). Cytogenetic location: 4q31.3.
Variant type: single nucleotide variant.
Coding change: c.3392A>G on transcript NM_001364905.1 (MANE Select); coding-DNA position 3392, A replaced by G.
Protein change: p.Asp1131Gly; replaces aspartic acid 1131 with glycine.
Molecular consequence: missense variant.
Genome position (GRCh38, 1-based): chr4:150,852,318, T>C on the plus strand (A>G on the coding strand, the complement: LRBA is on the minus strand). VCF-style: chr4-150852318-T-C. GRCh37 (hg19) VCF-style: chr4-151773470-T-C.
Other names: c.3392A>G, p.Asp1131Gly (NM_001199282.3, NM_001367550.1, NM_006726.5); short protein forms D1131G.
Identifiers: ClinVar variation 1088426 (VCV001088426.19), dbSNP rs553138286, ClinGen allele CA3103051.